The following is an entry in ClinVar:

ClinVar aggregate classification (germline): Uncertain significance. Review status: criteria provided, multiple submitters, no conflicts (2 of 4 stars). 2 submissions from 2 submitters: Uncertain significance (2). Last evaluated 2024-03-24.

Conditions:
Cardiovascular phenotype. Identifiers: MedGen CN230736.

Allele frequency attached by ClinVar (database versions not stated): ExAC 0.00001; gnomAD 0.00001.

Submissions (2):

Ambry Genetics
Classification: Uncertain significance for Cardiovascular phenotype. Last evaluated: 2024-03-24. Review status: criteria provided, single submitter. Criteria: Ambry Variant Classification Scheme 2023. Collection method: clinical testing. Allele origin: germline.
Comment: The p.R1607L variant (also known as c.4820G>T), located in coding exon 10 of the ALPK3 gene, results from a G to T substitution at nucleotide position 4820. The arginine at codon 1607 is replaced by leucine, an amino acid with dissimilar properties. This amino acid position is conserved. In addition, the in silico prediction for this alteration is inconclusive. Based on the available evidence, the clinical significance of this alteration remains unclear.

Labcorp Genetics (formerly Invitae), Labcorp
Classification: Uncertain significance. Last evaluated: 2023-12-11. Review status: criteria provided, single submitter. Criteria: Invitae Variant Classification Sherloc (09022015). Collection method: clinical testing. Allele origin: germline.
Comment: This sequence change replaces arginine, which is basic and polar, with leucine, which is neutral and non-polar, at codon 1607 of the ALPK3 protein (p.Arg1607Leu). This variant is not present in population databases (gnomAD no frequency). This variant has not been reported in the literature in individuals affected with ALPK3-related conditions. ClinVar contains an entry for this variant (Variation ID: 1520606). An algorithm developed to predict the effect of missense changes on protein structure and function (PolyPhen-2) suggests that this variant is likely to be disruptive. In summary, the available evidence is currently insufficient to determine the role of this variant in disease. Therefore, it has been classified as a Variant of Uncertain Significance.

NM_020778.5(ALPK3):c.4214G>T (p.Arg1405Leu)

Gene: ALPK3 (alpha kinase 3; plus strand). Cytogenetic location: 15q25.3.
Variant type: single nucleotide variant.
Coding change: c.4214G>T on transcript NM_020778.5 (MANE Select); coding-DNA position 4214, G replaced by T.
Protein change: p.Arg1405Leu; replaces arginine 1405 with leucine.
Molecular consequence: missense variant.
Genome position (GRCh38, 1-based): chr15:84,862,719, G>T. VCF-style: chr15-84862719-G-T. GRCh37 (hg19) VCF-style: chr15-85405950-G-T.
Other names: c.4820G>T (NM_020778.4); short protein forms R1405L.
Identifiers: ClinVar variation 1520606 (VCV001520606.7), dbSNP rs369709289, ClinGen allele CA7709900.